The following is an entry in ClinVar:

ClinVar aggregate classification (germline): Pathogenic (1 of 4 stars; one submission).

Conditions:
Neuronopathy, distal hereditary motor, autosomal recessive 4. Also called: NEUROPATHY, DISTAL HEREDITARY MOTOR, AUTOSOMAL RECESSIVE 4; Autosomal recessive lower motor neuron disease with childhood onset. Identifiers: Orphanet 206580, MedGen C1970211, MONDO:0012608, OMIM 611067.
Charcot-Marie-Tooth disease recessive intermediate C. Also called: CHARCOT-MARIE-TOOTH NEUROPATHY, RECESSIVE INTERMEDIATE C. Identifiers: Orphanet 369867, MedGen C3809309, MONDO:0014154, OMIM 615376.

Submission:

Labcorp Genetics (formerly Invitae), Labcorp
Classification: Pathogenic for Distal spinal muscular atrophy, autosomal recessive 4; Charcot-Marie-Tooth disease, recessive intermediate c. Last evaluated: 2019-12-26. Review status: criteria provided, single submitter. Criteria: Invitae Variant Classification Sherloc (09022015). Collection method: clinical testing. Allele origin: germline.
Comment: A gross deletion of the genomic region encompassing the full coding sequence of the PLEKHG5 gene has been identified. The boundaries of this event are unknown as the deletion extends beyond the assayed region for this gene and therefore may encompass additional genes. This variant has not been reported in the literature in individuals with PLEKHG5-related conditions. Loss-of-function variants in PLEKHG5 are known to be pathogenic (PMID: 17564964). For these reasons, this variant has been classified as Pathogenic.

NC_000001.11:g.(?_6467553)_(6477668_?)del

Gene: PLEKHG5 (pleckstrin homology and RhoGEF domain containing G5; minus strand). Cytogenetic location: 1p36.31.
Variant type: Deletion.
Identifiers: ClinVar variation 832446 (VCV000832446.1).